The following is an entry in ClinVar:

ClinVar aggregate classification (germline): Uncertain significance (1 of 4 stars; one submission).

Conditions:
Charcot-Marie-Tooth disease recessive intermediate C. Also called: CHARCOT-MARIE-TOOTH NEUROPATHY, RECESSIVE INTERMEDIATE C. Identifiers: Orphanet 369867, MedGen C3809309, MONDO:0014154, OMIM 615376.
Neuronopathy, distal hereditary motor, autosomal recessive 4. Also called: Autosomal recessive lower motor neuron disease with childhood onset; NEUROPATHY, DISTAL HEREDITARY MOTOR, AUTOSOMAL RECESSIVE 4. Identifiers: Orphanet 206580, MedGen C1970211, MONDO:0012608, OMIM 611067.

gnomAD v4.1: 1 of 1,613,294 alleles (0.000062%); highest among the groups gnomAD compares: Non-Finnish European, 0.000085%; no homozygotes.

Submission:

Labcorp Genetics (formerly Invitae), Labcorp
Classification: Uncertain significance for Neuronopathy, distal hereditary motor, autosomal recessive 4; Charcot-Marie-Tooth disease recessive intermediate C. Last evaluated: 2021-05-30. Review status: criteria provided, single submitter. Criteria: Invitae Variant Classification Sherloc (09022015). Collection method: clinical testing. Allele origin: germline.
Comment: This variant is not present in population databases (ExAC no frequency). This sequence change replaces leucine with proline at codon 996 of the PLEKHG5 protein (p.Leu996Pro). The leucine residue is moderately conserved and there is a moderate physicochemical difference between leucine and proline. In summary, the available evidence is currently insufficient to determine the role of this variant in disease. Therefore, it has been classified as a Variant of Uncertain Significance. Algorithms developed to predict the effect of missense changes on protein structure and function are either unavailable or do not agree on the potential impact of this missense change (SIFT: "Deleterious"; PolyPhen-2: "Probably Damaging"; Align-GVGD: "Class C0"). This variant has not been reported in the literature in individuals with PLEKHG5-related conditions.

NM_020631.6(PLEKHG5):c.2987T>C (p.Leu996Pro)

Gene: PLEKHG5 (pleckstrin homology and RhoGEF domain containing G5; minus strand). Cytogenetic location: 1p36.31.
Variant type: single nucleotide variant.
Coding change: c.2987T>C on transcript NM_020631.6 (MANE Select); coding-DNA position 2987, T replaced by C.
Protein change: p.Leu996Pro; replaces leucine 996 with proline.
Molecular consequence: missense variant. On other transcripts: synonymous variant (1).
Genome position (GRCh38, 1-based): chr1:6,467,849, A>G on the plus strand (T>C on the coding strand, the complement: PLEKHG5 is on the minus strand). VCF-style: chr1-6467849-A-G. GRCh37 (hg19) VCF-style: chr1-6527909-A-G.
Other names: c.3098T>C, p.Leu1033Pro (NM_001042663.3, NM_001265592.2); c.2987T>C, p.Leu996Pro (NM_001042664.2, NM_001042665.2, NM_198681.4); c.3194T>C, p.Leu1065Pro (NM_001265593.2); c.2787T>C, p.Ala929= (NM_001265594.3); short protein forms L1033P, L1065P, L996P.
Identifiers: ClinVar variation 1491203 (VCV001491203.8), dbSNP rs2148574076, ClinGen allele CA338113396.
Genomic context (GRCh38, chr1:6,467,849, plus strand): 5'-TGAGCCACCTGCCCTACCCCAGTCCAGGCCACTCACGAGGCAGTGAGCGTGGAGTTAAGC[A>G]GCAGGGTGGTCCTGATTCGGTAGAGCTGGGCCAGGGTCAGCTTCCTGTGCTGGGCAGAGA-3'
Protein context (NP_065682.2, residues 986-1006): AQLYRIRTTL[Leu996Pro]LNSTLTASEV